The following is an entry in ClinVar:

ClinVar aggregate classification (germline): Benign/Likely benign. Review status: criteria provided, multiple submitters, no conflicts (2 of 4 stars). 4 submissions from 4 submitters: Benign (2); Likely benign (2). Last evaluated 2026-09-01.

Allele frequency attached by ClinVar (database versions not stated): gnomAD exomes 0.00018 and 0.00047; ExAC 0.00061; 1000 Genomes Project 0.00180; 1000 Genomes Project 30x 0.00187; gnomAD 0.00194 and 0.00208; ESP Exome Variant Server 0.00215; TOPMed 0.00216.
gnomAD v4.1: 570 of 1,614,132 alleles (0.035%); highest among the groups gnomAD compares: African/African-American, 0.65%; 5 homozygotes.

Submissions (4):

CeGaT Center for Human Genetics Tuebingen
Classification: Likely benign. Last evaluated: 2026-09-01. Review status: criteria provided, single submitter. Criteria: CeGaT Center For Human Genetics Tuebingen Variant Classification Criteria Version 2. Collection method: clinical testing. Allele origin: germline. Affected: yes. Observed: 6 variant alleles.
Comment: TRIO: BP4, BS1

Blueprint Genetics
Classification: Likely benign. Last evaluated: 2024-11-25. Review status: criteria provided, single submitter. Criteria: ACMG Guidelines, 2015. Collection method: clinical testing. Allele origin: germline.

Labcorp Genetics (formerly Invitae), Labcorp
Classification: Benign. Last evaluated: 2019-12-31. Review status: criteria provided, single submitter. Criteria: Invitae Variant Classification Sherloc (09022015). Collection method: clinical testing. Allele origin: germline.

GeneDx
Classification: Benign. Last evaluated: 2019-09-03. Review status: criteria provided, single submitter. Criteria: GeneDx Variant Classification Process June 2021. Collection method: clinical testing. Allele origin: germline. Affected: yes.

NM_007118.4(TRIO):c.2928G>A (p.Gln976=)

Gene: TRIO (trio Rho guanine nucleotide exchange factor; plus strand). Cytogenetic location: 5p15.2.
Variant type: single nucleotide variant.
Coding change: c.2928G>A on transcript NM_007118.4 (MANE Select); coding-DNA position 2928, G replaced by A.
Protein change: p.Gln976=; no amino-acid change (glutamine 976 retained).
Molecular consequence: synonymous variant. On other transcripts: non-coding transcript variant (1).
Genome position (GRCh38, 1-based): chr5:14,368,761, G>A. VCF-style: chr5-14368761-G-A. GRCh37 (hg19) VCF-style: chr5-14368870-G-A.
Identifiers: ClinVar variation 773460 (VCV000773460.31), dbSNP rs148506244, ClinGen allele CA3206041.